The following is an entry in ClinVar:

ClinVar aggregate classification (germline): Uncertain significance. Review status: criteria provided, multiple submitters, no conflicts (2 of 4 stars). 2 submissions from 2 submitters: Uncertain significance (2). Last evaluated 2022-04-14.

Conditions:
Joubert syndrome 17 (JBTS17). Identifiers: Orphanet 475, MedGen C3553264, MONDO:0013824, OMIM 614615.
Orofaciodigital syndrome type 6 (OFD6). Also called: OROFACIODIGITAL SYNDROME VI; OFDS VI; POLYDACTYLY, CLEFT LIP/PALATE OR LINGUAL LUMP, AND PSYCHOMOTOR RETARDATION; VARADI SYNDROME; VARADI-PAPP SYNDROME; Oral-facial-digital syndrome type 6. Identifiers: Orphanet 2754, MedGen C2745997, MONDO:0010176, OMIM 277170.

Allele frequency attached by ClinVar (database versions not stated): ExAC 0.00001; gnomAD 0.00001; gnomAD exomes 0.00002.

Submissions (2):

Fulgent Genetics
Classification: Uncertain significance for Orofaciodigital syndrome type 6; Joubert syndrome 17. Last evaluated: 2022-04-14. Review status: criteria provided, single submitter. Criteria: ACMG Guidelines, 2015. Collection method: clinical testing. Allele origin: unknown.

Labcorp Genetics (formerly Invitae), Labcorp
Classification: Uncertain significance. Last evaluated: 2021-08-29. Review status: criteria provided, single submitter. Criteria: Invitae Variant Classification Sherloc (09022015). Collection method: clinical testing. Allele origin: germline.
Comment: This sequence change replaces tyrosine with cysteine at codon 2579 of the CPLANE1 protein (p.Tyr2579Cys). The tyrosine residue is moderately conserved and there is a large physicochemical difference between tyrosine and cysteine. This variant is present in population databases (rs771614298, ExAC 0.02%). This variant has not been reported in the literature in individuals affected with CPLANE1-related conditions. Advanced modeling of protein sequence and biophysical properties (such as structural, functional, and spatial information, amino acid conservation, physicochemical variation, residue mobility, and thermodynamic stability) performed at Invitae indicates that this missense variant is not expected to disrupt CPLANE1 protein function. In summary, the available evidence is currently insufficient to determine the role of this variant in disease. Therefore, it has been classified as a Variant of Uncertain Significance.

NM_001384732.1(CPLANE1):c.7736A>G (p.Tyr2579Cys)

Gene: CPLANE1 (ciliogenesis and planar polarity effector complex subunit 1; minus strand). Cytogenetic location: 5p13.2.
Variant type: single nucleotide variant.
Coding change: c.7736A>G on transcript NM_001384732.1 (MANE Select); coding-DNA position 7736, A replaced by G.
Protein change: p.Tyr2579Cys; replaces tyrosine 2579 with cysteine.
Molecular consequence: missense variant.
Genome position (GRCh38, 1-based): chr5:37,158,300, T>C on the plus strand (A>G on the coding strand, the complement: CPLANE1 is on the minus strand). VCF-style: chr5-37158300-T-C. GRCh37 (hg19) VCF-style: chr5-37158402-T-C.
Other names: c.7736A>G, p.Tyr2579Cys (NM_023073.4); short protein forms Y2579C.
Identifiers: ClinVar variation 1504502 (VCV001504502.7), dbSNP rs771614298, ClinGen allele CA3237960.